The following is an entry in ClinVar:

ClinVar aggregate classification (germline): Uncertain significance (1 of 4 stars; one submission).

Conditions:
NDUFS1-related disorder. Also called: NDUFS1-related condition.

Allele frequency attached by ClinVar (database versions not stated): TOPMed below 0.00001; gnomAD 0.00001.

Submission:

PreventionGenetics, part of Exact Sciences
Classification: Uncertain significance for NDUFS1-related condition. Last evaluated: 2023-01-27. Review status: criteria provided, single submitter. Criteria: ACMG Guidelines, 2015. Collection method: clinical testing. Allele origin: germline.
Comment: The NDUFS1 c.86G>A variant is predicted to result in the amino acid substitution p.Ser29Asn. To our knowledge, this variant has not been reported in the literature or in a large population database, indicating this variant is rare. At this time, the clinical significance of this variant is uncertain due to the absence of conclusive functional and genetic evidence.

NM_005006.7(NDUFS1):c.86G>A (p.Ser29Asn)

Gene: NDUFS1 (NADH:ubiquinone oxidoreductase core subunit S1; minus strand). Cytogenetic location: 2q33.3.
Variant type: single nucleotide variant.
Coding change: c.86G>A on transcript NM_005006.7 (MANE Select); coding-DNA position 86, G replaced by A.
Protein change: p.Ser29Asn; replaces serine 29 with asparagine.
Molecular consequence: missense variant. On other transcripts: intron variant (2).
Genome position (GRCh38, 1-based): chr2:206,152,486, C>T on the plus strand (G>A on the coding strand, the complement: NDUFS1 is on the minus strand). VCF-style: chr2-206152486-C-T. GRCh37 (hg19) VCF-style: chr2-207017210-C-T.
Other names: c.86G>A, p.Ser29Asn (NM_001199981.2); c.128G>A, p.Ser43Asn (NM_001199984.2); c.5+1132G>A (NM_001199982.2); c.-19+1132G>A (NM_001199983.2); short protein forms S29N, S43N.
Identifiers: ClinVar variation 2630577 (VCV002630577.1), dbSNP rs1397542799, ClinGen allele CA350065286.